The following is an entry in ClinVar:

ClinVar aggregate classification (germline): Conflicting classifications of pathogenicity. Review status: criteria provided, conflicting classifications (1 of 4 stars). 6 submissions from 6 submitters: Uncertain significance (1); Benign (3). 2 of the submissions do not count toward it. Last evaluated 2026-01-31.

Conditions:
Autosomal recessive limb-girdle muscular dystrophy type 2J (LGMDR10). Also called: Limb-girdle muscular dystrophy, type 2J; MUSCULAR DYSTROPHY, LIMB-GIRDLE, AUTOSOMAL RECESSIVE 10. Identifiers: Orphanet 140922, MedGen C1837342, MONDO:0012127, OMIM 608807.
Dilated cardiomyopathy 1G (CMD1G). Identifiers: Orphanet 154, MedGen C1858763, MONDO:0011400, OMIM 604145.

Allele frequency attached by ClinVar (database versions not stated): ExAC 0.01498; gnomAD exomes 0.09975.

Submissions (8):

Labcorp Genetics (formerly Invitae), Labcorp
Classification: Benign for Dilated cardiomyopathy 1G; Autosomal recessive limb-girdle muscular dystrophy type 2J. Last evaluated: 2026-01-31. Review status: criteria provided, single submitter. Criteria: Invitae Variant Classification Sherloc (09022015). Collection method: clinical testing. Allele origin: germline.

Blueprint Genetics
Classification: Benign. Last evaluated: 2024-11-26. Review status: criteria provided, single submitter. Criteria: ACMG Guidelines, 2015. Collection method: clinical testing. Allele origin: germline.

GeneDx
Classification: Benign. Last evaluated: 2018-06-14. Review status: criteria provided, single submitter. Criteria: GeneDx Variant Classification (06012015). Collection method: clinical testing. Allele origin: germline. Affected: yes.
Comment: This variant is considered likely benign or benign based on one or more of the following criteria: it is a conservative change, it occurs at a poorly conserved position in the protein, it is predicted to be benign by multiple in silico algorithms, and/or has population frequency not consistent with disease.

Laboratory for Molecular Medicine, Mass General Brigham Personalized Medicine
Classification: Uncertain significance. Last evaluated: 2016-03-28. Review status: criteria provided, single submitter. Criteria: LMM Criteria. Collection method: clinical testing. Allele origin: germline.
Comment: Variant identified in a genome or exome case(s) and assessed due to predicted null impact of the variant or pathogenic assertions in the literature or databases. Disclaimer: This variant has not undergone full assessment. The following are preliminary notes: Variant has not been reported. Only affects this transcript.

Clinical Genetics DNA and cytogenetics Diagnostics Lab, Erasmus MC, Erasmus Medical Center
Classification: Benign. Review status: no assertion criteria provided. Collection method: clinical testing. Allele origin: germline. Affected: yes. Study: VKGL Data-share Consensus. Not counted in ClinVar's aggregate classification.

Diagnostic Laboratory, Department of Genetics, University Medical Center Groningen
Classification: Likely benign. Review status: no assertion criteria provided. Collection method: clinical testing. Allele origin: germline. Affected: yes. Study: VKGL Data-share Consensus. Not counted in ClinVar's aggregate classification.

Dr. Peter K. Rogan Lab, Western University
No classification provided (evidence only). Condition: Cervical cancer. Review status: no classification provided. Collection method: in vitro. Allele origin: not applicable. Functional consequence: retained intron. Not counted in ClinVar's aggregate classification.

Dr. Peter K. Rogan Lab, Western University
No classification provided (evidence only). Condition: Nonpapillary renal cell carcinoma. Review status: no classification provided. Collection method: in vitro. Allele origin: not applicable. Functional consequence: retained intron. Not counted in ClinVar's aggregate classification.

NM_001267550.2(TTN):c.36655T>G (p.Leu12219Val)

Gene: TTN (titin; minus strand). Cytogenetic location: 2q31.2.
Variant type: single nucleotide variant.
Coding change: c.36655T>G on transcript NM_001267550.2 (MANE Select); coding-DNA position 36655, T replaced by G.
Protein change: p.Leu12219Val; replaces leucine 12219 with valine.
Molecular consequence: missense variant. On other transcripts: intron variant (5).
Genome position (GRCh38, 1-based): chr2:178,663,311, A>C on the plus strand (T>G on the coding strand, the complement: TTN is on the minus strand). VCF-style: chr2-178663311-A-C. GRCh37 (hg19) VCF-style: chr2-179528038-A-C.
Other names: c.13283-20994T>G (NM_003319.4); c.13859-20994T>G (NM_133437.4); c.13658-20994T>G (NM_133432.3); c.31484-256T>G (NM_133378.4); c.34265-256T>G (NM_001256850.1); short protein forms L12219V.
Identifiers: ClinVar variation 220982 (VCV000220982.20), dbSNP rs12994774, ClinGen allele CA349037.
Genomic context (GRCh38, chr2:178,663,311, plus strand): 5'-TAGCTTTGGCATTACCTTCAGGGGGAGGACTTTCCGGTTTGGGAGGAATAGCTTCAGGCA[A>C]CTTCTTTTCTGGGACAGCTGCCTTTGGCACCTCTGGGACTTTAAAGATATTAGTATTTTC-3'
Protein context (NP_001254479.2, residues 12209-12229): VPKAAVPEKK[Leu12219Val]PEAIPPKPES